The following is an entry in ClinVar:

NM_001369268.1(ACAN):c.426C>A (p.Ser142Arg)

Gene: ACAN (aggrecan; plus strand). Cytogenetic location: 15q26.1.
Variant type: single nucleotide variant.
Coding change: c.426C>A on transcript NM_001369268.1 (MANE Select); coding-DNA position 426, C replaced by A.
Protein change: p.Ser142Arg; replaces serine 142 with arginine.
Molecular consequence: missense variant.
Genome position (GRCh38, 1-based): chr15:88,839,018, C>A. VCF-style: chr15-88839018-C-A. GRCh37 (hg19) VCF-style: chr15-89382249-C-A.
Other names: c.426C>A, p.Ser142Arg (NM_001135.4, NM_001411096.1, NM_001411097.1 and 1 more transcripts); short protein forms S142R.
Identifiers: ClinVar variation 3660382 (VCV003660382.2).
Genomic context (GRCh38, chr15:88,839,018, plus strand): 5'-CCTGCGCTCCAATGACTCTGGGGTCTACCGCTGCGAGGTGATGCATGGCATCGAGGACAG[C>A]GAGGCCACCCTGGAAGTCGTGGTGAAAGGTGAGAGCCTCCCACAGGGACAGACGCTGCTT-3'
Protein context (NP_001356197.1, residues 132-152): RCEVMHGIED[Ser142Arg]EATLEVVVKG

ClinVar aggregate classification (germline): Uncertain significance (1 of 4 stars; one submission).

gnomAD v4.1: 3 of 1,606,592 alleles (0.00019%); highest among the groups gnomAD compares: Non-Finnish European, 0.00025%; no homozygotes.

Submission:

Labcorp Genetics (formerly Invitae), Labcorp
Classification: Uncertain significance. Last evaluated: 2024-07-23. Review status: criteria provided, single submitter. Criteria: Invitae Variant Classification Sherloc (09022015). Collection method: clinical testing. Allele origin: germline.
Comment: This sequence change replaces serine, which is neutral and polar, with arginine, which is basic and polar, at codon 142 of the ACAN protein (p.Ser142Arg). The frequency data for this variant in the population databases is considered unreliable, as metrics indicate poor data quality at this position in the gnomAD database. This variant has not been reported in the literature in individuals affected with ACAN-related conditions. Advanced modeling of protein sequence and biophysical properties (such as structural, functional, and spatial information, amino acid conservation, physicochemical variation, residue mobility, and thermodynamic stability) performed at Invitae indicates that this missense variant is not expected to disrupt ACAN protein function with a negative predictive value of 80%. In summary, the available evidence is currently insufficient to determine the role of this variant in disease. Therefore, it has been classified as a Variant of Uncertain Significance.